The following is an entry in ClinVar:

ClinVar aggregate classification (germline): Benign. Review status: criteria provided, multiple submitters, no conflicts (2 of 4 stars). 3 submissions from 3 submitters: Benign (2). 1 of the submissions does not count toward it. Last evaluated 2026-01-26.

Conditions:
DNAJC17-related disorder. Also called: DNAJC17-related condition.

Allele frequency attached by ClinVar (database versions not stated): 1000 Genomes Project 30x 0.00328; 1000 Genomes Project 0.00339; gnomAD 0.00469 and 0.00472; TOPMed 0.00489; ExAC 0.00514; gnomAD exomes 0.00516 and 0.00772; ESP Exome Variant Server 0.00715.
gnomAD v4.1: 11,989 of 1,614,124 alleles (0.74%); highest among the groups gnomAD compares: Non-Finnish European, 0.87%; 58 homozygotes.

Submissions (3):

Labcorp Genetics (formerly Invitae), Labcorp
Classification: Benign. Last evaluated: 2026-01-26. Review status: criteria provided, single submitter. Criteria: Invitae Variant Classification Sherloc (09022015). Collection method: clinical testing. Allele origin: germline.

Breakthrough Genomics
Classification: Benign. Review status: criteria provided, single submitter. Criteria: ACMG Guidelines, 2015. Collection method: not provided. Allele origin: germline. Inheritance: Unknown mechanism. Affected: yes.

PreventionGenetics, part of Exact Sciences
Classification: Benign for DNAJC17-related condition. Last evaluated: 2019-05-28. Review status: no assertion criteria provided. Collection method: clinical testing. Allele origin: germline. Not counted in ClinVar's aggregate classification.
Comment: This variant is classified as benign based on ACMG/AMP sequence variant interpretation guidelines (Richards et al. 2015 PMID: 25741868, with internal and published modifications).

NM_018163.3(DNAJC17):c.576C>T (p.Asp192=)

Gene: DNAJC17 (DnaJ heat shock protein family (Hsp40) member C17; minus strand). Cytogenetic location: 15q15.1.
Variant type: single nucleotide variant.
Coding change: c.576C>T on transcript NM_018163.3 (MANE Select); coding-DNA position 576, C replaced by T.
Protein change: p.Asp192=; no amino-acid change (aspartic acid 192 retained).
Molecular consequence: synonymous variant.
Genome position (GRCh38, 1-based): chr15:40,775,055, G>A on the plus strand (C>T on the coding strand, the complement: DNAJC17 is on the minus strand). VCF-style: chr15-40775055-G-A. GRCh37 (hg19) VCF-style: chr15-41067253-G-A.
Other names: c.576C>T (NM_018163.2).
Identifiers: ClinVar variation 1616873 (VCV001616873.11), dbSNP rs61763052, ClinGen allele CA7485090.
Genomic context (GRCh38, chr15:40,775,055, plus strand): 5'-AGATGATAGGAAAGAGTGGACGTCAACAGGGCCGACCTTCTGCAAAAGCCGTAGGAGGAC[G>A]TCTTTGGAGTAGCCACCTTTTGACTCATCCTCCTTCTTGCACTTCCATTTTAGCTGAAAA-3'
Protein context (NP_060633.1, residues 182-202): EDESKGGYSK[Asp192=]VLLRLLQKYG